The following is an entry in ClinVar:

ClinVar aggregate classification (germline): Pathogenic (1 of 4 stars; one submission).

Conditions:
Neurofibromatosis, type 1 (NF1). Also called: NEUROFIBROMATOSIS, TYPE I, SOMATIC; Peripheral type neurofibromatosis; Neurofibromatosis, type I; VON RECKLINGHAUSEN DISEASE. Identifiers: Orphanet 636, MedGen C0027831, MONDO:0018975, OMIM 162200. Disease mechanism: loss of function.

Submission:

Labcorp Genetics (formerly Invitae), Labcorp
Classification: Pathogenic for Neurofibromatosis, type 1. Last evaluated: 2024-12-17. Review status: criteria provided, single submitter. Criteria: Invitae Variant Classification Sherloc (09022015). Collection method: clinical testing. Allele origin: germline.
Comment: This sequence change creates a premature translational stop signal (p.Pro228Argfs*2) in the NF1 gene. It is expected to result in an absent or disrupted protein product. Loss-of-function variants in NF1 are known to be pathogenic (PMID: 10712197, 23913538). This variant is not present in population databases (gnomAD no frequency). This variant has not been reported in the literature in individuals affected with NF1-related conditions. For these reasons, this variant has been classified as Pathogenic.

Literature cited by the submitters: PubMed 10712197; PubMed 23913538.

NM_001042492.3(NF1):c.683_684del (p.Pro228fs)

Gene: NF1 (neurofibromin 1; plus strand). Cytogenetic location: 17q11.2.
Variant type: Deletion.
Coding change: c.683_684del on transcript NM_001042492.3 (MANE Select); coding-DNA positions 683 to 684, 2 bases deleted (CA; older notation c.683_684delCA).
Protein change: p.Pro228fs; shifts the reading frame from proline 228.
Molecular consequence: frameshift variant.
Genome position (GRCh38, 1-based): chr17:31,181,738-31,181,739, CA deleted. VCF-style (leftmost placement, unchanged base first): chr17-31181737-CCA-C. GRCh37 (hg19) VCF-style: chr17-29508755-CCA-C.
Other names: c.683_684delCA, p.Pro228Argfs (NM_000267.4); c.683_684del, p.Pro228fs (NM_001128147.3); short protein forms P228fs.
Identifiers: ClinVar variation 3727453 (VCV003727453.2).